The following is an entry in ClinVar:

NM_015378.4(VPS13D):c.12743C>T (p.Ala4248Val)

Gene: VPS13D (vacuolar protein sorting 13 homolog D; plus strand). Cytogenetic location: 1p36.22.
Variant type: single nucleotide variant.
Coding change: c.12743C>T on transcript NM_015378.4 (MANE Select); coding-DNA position 12743, C replaced by T.
Protein change: p.Ala4248Val; replaces alanine 4248 with valine.
Molecular consequence: missense variant.
Genome position (GRCh38, 1-based): chr1:12,497,580, C>T. VCF-style: chr1-12497580-C-T. GRCh37 (hg19) VCF-style: chr1-12557634-C-T.
Other names: c.12668C>T, p.Ala4223Val (NM_018156.4); short protein forms A4223V, A4248V.
Identifiers: ClinVar variation 1897103 (VCV001897103.5), dbSNP rs779850187, ClinGen allele CA604291.

ClinVar aggregate classification (germline): Uncertain significance (1 of 4 stars; one submission).

Allele frequency attached by ClinVar (database versions not stated): ExAC 0.00002.
gnomAD v4.1: 8 of 1,614,056 alleles (0.0005%); highest among the groups gnomAD compares: Admixed American, 0.005%; no homozygotes.

Submission:

Labcorp Genetics (formerly Invitae), Labcorp
Classification: Uncertain significance. Last evaluated: 2022-07-12. Review status: criteria provided, single submitter. Criteria: Invitae Variant Classification Sherloc (09022015). Collection method: clinical testing. Allele origin: germline.
Comment: This sequence change replaces alanine, which is neutral and non-polar, with valine, which is neutral and non-polar, at codon 4248 of the VPS13D protein (p.Ala4248Val). This variant is present in population databases (rs779850187, gnomAD 0.009%). This variant has not been reported in the literature in individuals affected with VPS13D-related conditions. Algorithms developed to predict the effect of missense changes on protein structure and function are either unavailable or do not agree on the potential impact of this missense change (SIFT: "Not Available"; PolyPhen-2: "Probably Damaging"; Align-GVGD: "Not Available"). In summary, the available evidence is currently insufficient to determine the role of this variant in disease. Therefore, it has been classified as a Variant of Uncertain Significance.